The following is an entry in ClinVar:

NM_025099.6(CTC1):c.3514+4A>G

Gene: CTC1 (CST telomere replication complex component 1; minus strand). Cytogenetic location: 17p13.1.
Variant type: single nucleotide variant.
Coding change: c.3514+4A>G on transcript NM_025099.6 (MANE Select); 4 bases into the intron after coding-DNA position 3514, A replaced by G.
Molecular consequence: intron variant.
Genome position (GRCh38, 1-based): chr17:8,228,499, T>C on the plus strand (A>G on the coding strand, the complement: CTC1 is on the minus strand). VCF-style: chr17-8228499-T-C. GRCh37 (hg19) VCF-style: chr17-8131817-T-C.
Identifiers: ClinVar variation 2156495 (VCV002156495.3), dbSNP rs1015803777, ClinGen allele CA287529346.

ClinVar aggregate classification (germline): Uncertain significance (1 of 4 stars; one submission).

Conditions:
Dyskeratosis congenita. Identifiers: Orphanet 1775, MedGen C0265965, MONDO:0015780.

Allele frequency attached by ClinVar (database versions not stated): TOPMed below 0.00001.

Submission:

Labcorp Genetics (formerly Invitae), Labcorp
Classification: Uncertain significance for Dyskeratosis congenita. Last evaluated: 2022-07-19. Review status: criteria provided, single submitter. Criteria: Invitae Variant Classification Sherloc (09022015). Collection method: clinical testing. Allele origin: germline.
Comment: This variant has not been reported in the literature in individuals affected with CTC1-related conditions. This variant is not present in population databases (gnomAD no frequency). This sequence change falls in intron 22 of the CTC1 gene. It does not directly change the encoded amino acid sequence of the CTC1 protein. It affects a nucleotide within the consensus splice site. Variants that disrupt the consensus splice site are a relatively common cause of aberrant splicing (PMID: 17576681, 9536098). Algorithms developed to predict the effect of sequence changes on RNA splicing suggest that this variant is not likely to affect RNA splicing. In summary, the available evidence is currently insufficient to determine the role of this variant in disease. Therefore, it has been classified as a Variant of Uncertain Significance.

Literature cited by the submitters: PubMed 17576681; PubMed 9536098.